The following is an entry in ClinVar:

NM_019032.6(ADAMTSL4):c.260G>A (p.Arg87Gln)

Genes: ADAMTSL4 (ADAMTS like 4; plus strand), ADAMTSL4-AS2 (ADAMTSL4 antisense RNA 2; minus strand). Cytogenetic location: 1q21.2.
Variant type: single nucleotide variant.
Coding change: c.260G>A on transcript NM_019032.6 (MANE Select); coding-DNA position 260, G replaced by A.
Protein change: p.Arg87Gln; replaces arginine 87 with glutamine.
Molecular consequence: missense variant.
Genome position (GRCh38, 1-based): chr1:150,553,079, G>A. VCF-style: chr1-150553079-G-A. GRCh37 (hg19) VCF-style: chr1-150525555-G-A.
Other names: c.260G>A, p.Arg87Gln (NM_001288607.2, NM_001288608.2, NM_001378596.1 and 1 more transcripts); short protein forms R87Q.
Identifiers: ClinVar variation 1436420 (VCV001436420.3), dbSNP rs199599791, ClinGen allele CA1077914.

ClinVar aggregate classification (germline): Uncertain significance (1 of 4 stars; one submission).

Allele frequency attached by ClinVar (database versions not stated): gnomAD 0.00002 and 0.00003; TOPMed 0.00004; ExAC 0.00014; gnomAD exomes 0.00019; 1000 Genomes Project 0.00020.
gnomAD v4.1: 102 of 1,411,874 alleles (0.0072%); highest among the groups gnomAD compares: Admixed American, 0.065%; no homozygotes.

Submission:

Labcorp Genetics (formerly Invitae), Labcorp
Classification: Uncertain significance. Last evaluated: 2022-08-06. Review status: criteria provided, single submitter. Criteria: Invitae Variant Classification Sherloc (09022015). Collection method: clinical testing. Allele origin: germline.
Comment: This sequence change replaces arginine, which is basic and polar, with glutamine, which is neutral and polar, at codon 87 of the ADAMTSL4 protein (p.Arg87Gln). This variant is present in population databases (rs199599791, gnomAD 0.1%). This variant has not been reported in the literature in individuals affected with ADAMTSL4-related conditions. ClinVar contains an entry for this variant (Variation ID: 1436420). Algorithms developed to predict the effect of missense changes on protein structure and function output the following: SIFT: "Deleterious"; PolyPhen-2: "Benign"; Align-GVGD: "Class C35". The glutamine amino acid residue is found in multiple mammalian species, which suggests that this missense change does not adversely affect protein function. Algorithms developed to predict the effect of sequence changes on RNA splicing suggest that this variant may create or strengthen a splice site. In summary, the available evidence is currently insufficient to determine the role of this variant in disease. Therefore, it has been classified as a Variant of Uncertain Significance.